The following is an entry in ClinVar:

NM_000156.6(GAMT):c.697G>A (p.Val233Met)

Gene: GAMT (guanidinoacetate N-methyltransferase; minus strand). Cytogenetic location: 19p13.3.
Variant type: single nucleotide variant.
Coding change: c.697G>A on transcript NM_000156.6 (MANE Select); coding-DNA position 697, G replaced by A.
Protein change: p.Val233Met; replaces valine 233 with methionine.
Molecular consequence: missense variant.
Genome position (GRCh38, 1-based): chr19:1,397,373, C>T on the plus strand (G>A on the coding strand, the complement: GAMT is on the minus strand). VCF-style: chr19-1397373-C-T. GRCh37 (hg19) VCF-style: chr19-1397372-C-T.
Other names: short protein forms V233M.
Identifiers: ClinVar variation 1389310 (VCV001389310.3), dbSNP rs771709696, ClinGen allele CA9043528.

ClinVar aggregate classification (germline): Uncertain significance (1 of 4 stars; one submission).

Conditions:
Cerebral creatine deficiency syndrome. Also called: Creatine deficiency syndromes. Identifiers: Orphanet 79172, MedGen C5244016, MONDO:0000456.

Allele frequency attached by ClinVar (database versions not stated): gnomAD exomes below 0.00001; ExAC 0.00001.

Submission:

Labcorp Genetics (formerly Invitae), Labcorp
Classification: Uncertain significance for Cerebral creatine deficiency syndrome. Last evaluated: 2021-10-25. Review status: criteria provided, single submitter. Criteria: Invitae Variant Classification Sherloc (09022015). Collection method: clinical testing. Allele origin: germline.
Comment: This sequence change replaces valine with methionine at codon 233 of the GAMT protein (p.Val233Met). The valine residue is moderately conserved and there is a small physicochemical difference between valine and methionine. This variant is present in population databases (rs771709696, ExAC 0.01%). This variant has not been reported in the literature in individuals affected with GAMT-related conditions. Algorithms developed to predict the effect of missense changes on protein structure and function are either unavailable or do not agree on the potential impact of this missense change (SIFT: "Deleterious"; PolyPhen-2: "Possibly Damaging"; Align-GVGD: "Class C0"). In summary, the available evidence is currently insufficient to determine the role of this variant in disease. Therefore, it has been classified as a Variant of Uncertain Significance.